The following is an entry in ClinVar:

NM_006846.4(SPINK5):c.3035C>T (p.Pro1012Leu)

Gene: SPINK5 (serine peptidase inhibitor Kazal type 5; plus strand). Cytogenetic location: 5q32.
Variant type: single nucleotide variant.
Coding change: c.3035C>T on transcript NM_006846.4 (MANE Select); coding-DNA position 3035, C replaced by T.
Protein change: p.Pro1012Leu; replaces proline 1012 with leucine.
Molecular consequence: missense variant.
Genome position (GRCh38, 1-based): chr5:148,131,329, C>T. VCF-style: chr5-148131329-C-T. GRCh37 (hg19) VCF-style: chr5-147510892-C-T.
Other names: c.3125C>T, p.Pro1042Leu (NM_001127698.2); short protein forms P1042L, P1012L.
Identifiers: ClinVar variation 972581 (VCV000972581.6), dbSNP rs373802380, ClinGen allele CA3496226.

ClinVar aggregate classification (germline): Uncertain significance (1 of 4 stars; one submission).

Conditions:
Ichthyosis linearis circumflexa. Identifiers: MedGen C0265962, MONDO:0043106, HP:0025810.

Allele frequency attached by ClinVar (database versions not stated): TOPMed 0.00003; gnomAD 0.00006 and 0.00007; gnomAD exomes 0.00006; ExAC 0.00007; ESP Exome Variant Server 0.00008.
gnomAD v4.1: 89 of 1,613,832 alleles (0.0055%); highest among the groups gnomAD compares: Non-Finnish European, 0.007%; no homozygotes.

Submission:

Labcorp Genetics (formerly Invitae), Labcorp
Classification: Uncertain significance for Ichthyosis linearis circumflexa. Last evaluated: 2024-10-14. Review status: criteria provided, single submitter. Criteria: Invitae Variant Classification Sherloc (09022015). Collection method: clinical testing. Allele origin: germline.
Comment: This sequence change replaces proline, which is neutral and non-polar, with leucine, which is neutral and non-polar, at codon 1012 of the SPINK5 protein (p.Pro1012Leu). This variant is present in population databases (rs373802380, gnomAD 0.01%). This variant has not been reported in the literature in individuals affected with SPINK5-related conditions. ClinVar contains an entry for this variant (Variation ID: 972581). An algorithm developed to predict the effect of missense changes on protein structure and function (PolyPhen-2) suggests that this variant is likely to be disruptive. In summary, the available evidence is currently insufficient to determine the role of this variant in disease. Therefore, it has been classified as a Variant of Uncertain Significance.